The following is an entry in ClinVar:

ClinVar aggregate classification (germline): Uncertain significance (1 of 4 stars; one submission).

Conditions:
Arrhythmogenic cardiomyopathy with wooly hair and keratoderma. Also called: Arrhythmogenic cardiomyopathy with woolly hair and keratoderma; Carvajal syndrome; PALMOPLANTAR KERATODERMA WITH LEFT VENTRICULAR CARDIOMYOPATHY AND WOOLLY HAIR; Dilated cardiomyopathy with woolly hair and keratoderma. Identifiers: Orphanet 65282, MedGen C1854063, MONDO:0011581, OMIM 605676.
Arrhythmogenic right ventricular dysplasia 8 (ARVD8). Also called: Arrhythmogenic Right Ventricular Dysplasia/Cardiomyopathy 8; ARRHYTHMOGENIC RIGHT VENTRICULAR DYSPLASIA, FAMILIAL, 8; ARRHYTHMOGENIC RIGHT VENTRICULAR CARDIOMYOPATHY 8. Identifiers: MedGen C1843896, MONDO:0011831, OMIM 607450.

Submission:

Labcorp Genetics (formerly Invitae), Labcorp
Classification: Uncertain significance for Arrhythmogenic cardiomyopathy with wooly hair and keratoderma; Arrhythmogenic right ventricular dysplasia 8. Last evaluated: 2021-03-10. Review status: criteria provided, single submitter. Criteria: Invitae Variant Classification Sherloc (09022015). Collection method: clinical testing. Allele origin: germline.
Comment: This sequence change replaces glutamine with glutamic acid at codon 2648 of the DSP protein (p.Gln2648Glu). The glutamine residue is highly conserved and there is a small physicochemical difference between glutamine and glutamic acid. This variant is not present in population databases (ExAC no frequency). This variant has not been reported in the literature in individuals with DSP-related conditions. Algorithms developed to predict the effect of missense changes on protein structure and function (SIFT, PolyPhen-2, Align-GVGD) all suggest that this variant is likely to be disruptive, but these predictions have not been confirmed by published functional studies and their clinical significance is uncertain. In summary, the available evidence is currently insufficient to determine the role of this variant in disease. Therefore, it has been classified as a Variant of Uncertain Significance.

NM_004415.4(DSP):c.7942C>G (p.Gln2648Glu)

Gene: DSP (desmoplakin; plus strand). Cytogenetic location: 6p24.3.
Variant type: single nucleotide variant.
Coding change: c.7942C>G on transcript NM_004415.4 (MANE Select); coding-DNA position 7942, C replaced by G.
Protein change: p.Gln2648Glu; replaces glutamine 2648 with glutamic acid.
Molecular consequence: missense variant.
Genome position (GRCh38, 1-based): chr6:7,585,204, C>G. VCF-style: chr6-7585204-C-G. GRCh37 (hg19) VCF-style: chr6-7585437-C-G.
Other names: c.6145C>G, p.Gln2049Glu (NM_001008844.3); c.6613C>G, p.Gln2205Glu (NM_001319034.2); short protein forms Q2648E, Q2205E, Q2049E.
Identifiers: ClinVar variation 1347740 (VCV001347740.8), dbSNP rs2113703697, ClinGen allele CA362694110.
Genomic context (GRCh38, chr6:7,585,204, plus strand): 5'-CTGGAGAAAATCTCCATTACAGAAGGTATAGAGCGGGGCATCGTTGACAGCATCACGGGT[C>G]AGAGGCTTCTGGAGGCTCAGGCCTGCACAGGTGGCATCATCCACCCAACCACGGGCCAGA-3'
Protein context (NP_004406.2, residues 2638-2658): ERGIVDSITG[Gln2648Glu]RLLEAQACTG